The following is an entry in ClinVar:

ClinVar aggregate classification (germline): Uncertain significance (1 of 4 stars; one submission).

Conditions:
Dilated cardiomyopathy 1JJ (CMD1JJ). Identifiers: Orphanet 154, MedGen C3808935, MONDO:0014095, OMIM 615235.

Submission:

Labcorp Genetics (formerly Invitae), Labcorp
Classification: Uncertain significance for Dilated cardiomyopathy 1JJ. Last evaluated: 2022-11-22. Review status: criteria provided, single submitter. Criteria: Invitae Variant Classification Sherloc (09022015). Collection method: clinical testing. Allele origin: germline.
Comment: ClinVar contains an entry for this variant (Variation ID: 1057146). This variant has not been reported in the literature in individuals affected with LAMA4-related conditions. This variant is not present in population databases (gnomAD no frequency). This sequence change creates a premature translational stop signal (p.Gln1338Aspfs*5) in the LAMA4 gene. It is expected to result in an absent or disrupted protein product. However, the current clinical and genetic evidence is not sufficient to establish whether loss-of-function variants in LAMA4 cause disease. In summary, the available evidence is currently insufficient to determine the role of this variant in disease. Therefore, it has been classified as a Variant of Uncertain Significance.

NM_001105206.3(LAMA4):c.4033_4034del (p.Gln1345fs)

Gene: LAMA4 (laminin subunit alpha 4; minus strand). Cytogenetic location: 6q21.
Variant type: Deletion.
Coding change: c.4033_4034del on transcript NM_001105206.3 (MANE Select); coding-DNA positions 4033 to 4034, 2 bases deleted (CA; older notation c.4033_4034delCA).
Protein change: p.Gln1345fs; shifts the reading frame from glutamine 1345.
Molecular consequence: frameshift variant.
Genome position (GRCh38, 1-based): chr6:112,129,975-112,129,976, TG deleted on the plus strand (CA on the coding strand, the reverse complement: LAMA4 is on the minus strand); deleting any 2 consecutive bases within chr6:112,129,975-112,129,977 gives the same sequence; the c. name uses the placement nearest the transcript's 3' end. VCF-style (leftmost placement, unchanged base first): chr6-112129974-CTG-C. GRCh37 (hg19) VCF-style: chr6-112451176-CTG-C.
Other names: c.4012_4013del, p.Gln1338fs (NM_001105207.3, NM_002290.5); short protein forms Q1338fs, Q1345fs.
Identifiers: ClinVar variation 1057146 (VCV001057146.7), dbSNP rs2114640371, ClinGen allele CA2499218036.
Genomic context (GRCh38, chr6:112,129,974, plus strand): 5'-AGCATACTGAGCACTGATTGGTGAGCCACCGAAGTAAAACTTCTTTTCACTTGCTTGTGT[CTG>C]TTCTATTTTCCCTTTGGTAGGATTCTTACTCCCAACTCTGCTTTTATCTACTATCAGTTC-3'